The following is an entry in ClinVar:

NM_015202.5(KATNIP):c.1389+3G>A

Gene: KATNIP (katanin interacting protein; plus strand). Cytogenetic location: 16p12.1.
Variant type: single nucleotide variant.
Coding change: c.1389+3G>A on transcript NM_015202.5 (MANE Select); 3 bases into the intron after coding-DNA position 1389, G replaced by A.
Molecular consequence: intron variant.
Genome position (GRCh38, 1-based): chr16:27,704,001, G>A. VCF-style: chr16-27704001-G-A. GRCh37 (hg19) VCF-style: chr16-27715322-G-A.
Identifiers: ClinVar variation 1922571 (VCV001922571.5), dbSNP rs374397745, ClinGen allele CA7977683.
Genomic context (GRCh38, chr16:27,704,001, plus strand): 5'-CTCTGCCCATCTCGGCAGGGTGGTTTCACCAACCAAGGAGCAAGTATCAGACACAGAGGT[G>A]AGAGCCTTGACTTGATTTTCAGTTGTACATTCAGGAAGTTCCCTCAGAACAGGCATTTCG-3'

ClinVar aggregate classification (germline): Uncertain significance (1 of 4 stars; one submission).

Allele frequency attached by ClinVar (database versions not stated): TOPMed 0.00002; ExAC 0.00004; ESP Exome Variant Server 0.00008.
gnomAD v4.1: 19 of 1,611,478 alleles (0.0012%); highest among the groups gnomAD compares: Non-Finnish European, 0.0014%; no homozygotes.

Submission:

Labcorp Genetics (formerly Invitae), Labcorp
Classification: Uncertain significance. Last evaluated: 2022-08-16. Review status: criteria provided, single submitter. Criteria: Invitae Variant Classification Sherloc (09022015). Collection method: clinical testing. Allele origin: germline.
Comment: In summary, the available evidence is currently insufficient to determine the role of this variant in disease. Therefore, it has been classified as a Variant of Uncertain Significance. Variants that disrupt the consensus splice site are a relatively common cause of aberrant splicing (PMID: 17576681, 9536098). Algorithms developed to predict the effect of sequence changes on RNA splicing suggest that this variant is not likely to affect RNA splicing. This variant has not been reported in the literature in individuals affected with KIAA0556-related conditions. This variant is present in population databases (rs374397745, gnomAD 0.004%). This sequence change falls in intron 12 of the KIAA0556 gene. It does not directly change the encoded amino acid sequence of the KIAA0556 protein. It affects a nucleotide within the consensus splice site.

Literature cited by the submitters: PubMed 17576681; PubMed 9536098.